The following is an entry in ClinVar:

ClinVar aggregate classification (germline): Pathogenic (1 of 4 stars; one submission).

Conditions:
Isolated focal cortical dysplasia type II (FCORD2). Also called: CORTICAL DYSPLASIA OF TAYLOR; Focal cortical dysplasia type II. Identifiers: Orphanet 268994, MedGen C1846385, MONDO:0011818, OMIM 607341, HP:0032051.

Submission:

Human Genome Lab, NIMHANS, National Institute of Mental Health and Neuro Sciences
Classification: Pathogenic for Isolated focal cortical dysplasia type II. Review status: criteria provided, single submitter. Criteria: ACMG Guidelines, 2015. Collection method: research. Allele origin: somatic. Affected: yes. Observed: 1 variant allele.
Comment: The missense variant NM_004958.4(MTOR):c.7280T>G (p.Leu2427Arg) causes a change at the same amino acid residue as a previously established pathogenic variant. The p.Leu2427Arg variant is novel (not in any individuals) in 1kG All. The p.Leu2427Arg variant is novel (not in any individuals) in gnomAD (gnomAD v.4.0.0). There is a moderate physicochemical difference between leucine and arginine. The gene MTOR has a low rate of benign missense variation as indicated by a high missense variants Z-Score of 9.49. The gene MTOR contains 52 pathogenic missense variants, indicating that missense variants are a common mechanism of disease in this gene. 3 variants within 6 amino acid positions of the variant p.Leu2427Arg have been shown to be pathogenic, while none have been shown to be benign. The p.Leu2427Arg missense variant is predicted to be damaging by both SIFT and PolyPhen2. The leucine residue at codon 2427 of MTOR is conserved in all mammalian species. The nucleotide c.7280 in MTOR is predicted conserved by GERP++ and PhyloP across 100 vertebrates. For these reasons, this variant has been classified as Likely Pathogenic. (ACMG Criteria - PM2 PM1 PP2 PP3 PM5 PP4)

NM_004958.4(MTOR):c.7280T>G (p.Leu2427Arg)

Gene: MTOR (mechanistic target of rapamycin kinase; minus strand). Cytogenetic location: 1p36.22.
Variant type: single nucleotide variant.
Coding change: c.7280T>G on transcript NM_004958.4 (MANE Select); coding-DNA position 7280, T replaced by G.
Protein change: p.Leu2427Arg; replaces leucine 2427 with arginine.
Molecular consequence: missense variant.
Genome position (GRCh38, 1-based): chr1:11,114,338, A>C on the plus strand (T>G on the coding strand, the complement: MTOR is on the minus strand). VCF-style: chr1-11114338-A-C. GRCh37 (hg19) VCF-style: chr1-11174395-A-C.
Other names: c.7280T>G, p.Leu2427Arg (NM_001386500.1); c.6032T>G, p.Leu2011Arg (NM_001386501.1); short protein forms L2011R, L2427R.
Identifiers: ClinVar variation 4857587 (VCV004857587.1).
Genomic context (GRCh38, chr1:11,114,338, plus strand): 5'-AGCCACTGAGCTCAGCTCCCAGGCACTTGATGATACTCACTGTCCATCAGCCTCCAGTTC[A>C]GCAAGGGGTCATAGACAAAGGCTTCCAGCACGGCCATGACACTGTCCTTGTGCTCTCGCA-3'
Protein context (NP_004949.1, residues 2417-2437): VLEAFVYDPL[Leu2427Arg]NWRLMDTNTK